The following is an entry in ClinVar:

ClinVar aggregate classification (germline): Likely benign (1 of 4 stars; one submission).

gnomAD v4.1: 1 of 1,610,476 alleles (0.000062%); highest among the groups gnomAD compares: Non-Finnish European, 0.000085%; no homozygotes.

Submission:

Dasa
Classification: Likely benign. Last evaluated: 2025-07-08. Review status: criteria provided, single submitter. Criteria: DASA Assertion Criteria. Collection method: clinical testing. Allele origin: germline.
Comment: NM_182958.4(KAT8):c.1322G>T (p.Gly441Val) is a missense variant that results in the substitution of glycine with valine. The variant context is inconsistent with a known disease-causing mechanism. Computational prediction algorithms are consistent with a benign effect. Therefore, based on the currently available evidence, this variant is classified as likely benign.

NM_032188.3(KAT8):c.1312+10G>T

Gene: KAT8 (lysine acetyltransferase 8; plus strand). Cytogenetic location: 16p11.2.
Variant type: single nucleotide variant.
Coding change: c.1312+10G>T on transcript NM_032188.3 (MANE Select); 10 bases into the intron after coding-DNA position 1312, G replaced by T.
Molecular consequence: intron variant. On other transcripts: missense variant (1).
Genome position (GRCh38, 1-based): chr16:31,130,910, G>T. VCF-style: chr16-31130910-G-T. GRCh37 (hg19) VCF-style: chr16-31142231-G-T.
Other names: c.1322G>T, p.Gly441Val (NM_182958.4); short protein forms G441V.
Identifiers: ClinVar variation 4856954 (VCV004856954.2).